The following is an entry in ClinVar:

ClinVar aggregate classification (germline): Uncertain significance (1 of 4 stars; one submission).

Conditions:
Charcot-Marie-Tooth disease type 4. Also called: Charcot-Marie-Tooth disease, type IV; Charcot-Marie-Tooth, Type 4. Identifiers: Orphanet 64749, MedGen C4082197, MONDO:0018995.

Allele frequency attached by ClinVar (database versions not stated): gnomAD exomes below 0.00001.
gnomAD v4.1: 1 of 1,613,910 alleles (0.000062%); highest among the groups gnomAD compares: Non-Finnish European, 0.000085%; no homozygotes.

Submission:

Labcorp Genetics (formerly Invitae), Labcorp
Classification: Uncertain significance for Charcot-Marie-Tooth disease type 4. Last evaluated: 2025-03-12. Review status: criteria provided, single submitter. Criteria: Invitae Variant Classification Sherloc (09022015). Collection method: clinical testing. Allele origin: germline.
Comment: This sequence change replaces arginine, which is basic and polar, with glycine, which is neutral and non-polar, at codon 613 of the SBF2 protein (p.Arg613Gly). This variant is not present in population databases (gnomAD no frequency). This variant has not been reported in the literature in individuals affected with SBF2-related conditions. ClinVar contains an entry for this variant (Variation ID: 2876480). Invitae Evidence Modeling of protein sequence and biophysical properties (such as structural, functional, and spatial information, amino acid conservation, physicochemical variation, residue mobility, and thermodynamic stability) indicates that this missense variant is expected to disrupt SBF2 protein function with a positive predictive value of 80%. In summary, the available evidence is currently insufficient to determine the role of this variant in disease. Therefore, it has been classified as a Variant of Uncertain Significance.

NM_030962.4(SBF2):c.1837A>G (p.Arg613Gly)

Gene: SBF2 (SET binding factor 2; minus strand). Cytogenetic location: 11p15.4.
Variant type: single nucleotide variant.
Coding change: c.1837A>G on transcript NM_030962.4 (MANE Select); coding-DNA position 1837, A replaced by G.
Protein change: p.Arg613Gly; replaces arginine 613 with glycine.
Molecular consequence: missense variant.
Genome position (GRCh38, 1-based): chr11:9,961,980, T>C on the plus strand (A>G on the coding strand, the complement: SBF2 is on the minus strand). VCF-style: chr11-9961980-T-C. GRCh37 (hg19) VCF-style: chr11-9983527-T-C.
Other names: c.1837A>G, p.Arg613Gly (NM_001386339.1); c.1708A>G, p.Arg570Gly (NM_001386342.1); c.1873A>G, p.Arg625Gly (NM_001424318.1, NM_001425069.1, NM_001425070.1); short protein forms R570G, R625G, R613G.
Identifiers: ClinVar variation 2876480 (VCV002876480.3), dbSNP rs1590618405, ClinGen allele CA379644151.